The following is an entry in ClinVar:

NM_020812.4(DOCK6):c.5469G>A (p.Thr1823=)

Gene: DOCK6 (dedicator of cytokinesis 6; minus strand). Cytogenetic location: 19p13.2.
Variant type: single nucleotide variant.
Coding change: c.5469G>A on transcript NM_020812.4 (MANE Select); coding-DNA position 5469, G replaced by A.
Protein change: p.Thr1823=; no amino-acid change (threonine 1823 retained).
Molecular consequence: synonymous variant.
Genome position (GRCh38, 1-based): chr19:11,202,108, C>T on the plus strand (G>A on the coding strand, the complement: DOCK6 is on the minus strand). VCF-style: chr19-11202108-C-T. GRCh37 (hg19) VCF-style: chr19-11312784-C-T.
Other names: c.5574G>A, p.Thr1858= (NM_001367830.1).
Identifiers: ClinVar variation 2171114 (VCV002171114.30), dbSNP rs142505740, ClinGen allele CA9206447.

ClinVar aggregate classification (germline): Benign/Likely benign. Review status: criteria provided, multiple submitters, no conflicts (2 of 4 stars). 3 submissions from 3 submitters: Benign (1); Likely benign (2). Last evaluated 2025-12-19.

Allele frequency attached by ClinVar (database versions not stated): gnomAD 0.00007; gnomAD exomes 0.00010; TOPMed 0.00012; ExAC 0.00021; 1000 Genomes Project 30x 0.00031; 1000 Genomes Project 0.00040.
gnomAD v4.1: 157 of 1,614,008 alleles (0.0097%); highest among the groups gnomAD compares: East Asian, 0.28%; 2 homozygotes.

Submissions (3):

Labcorp Genetics (formerly Invitae), Labcorp
Classification: Benign. Last evaluated: 2025-12-19. Review status: criteria provided, single submitter. Criteria: Invitae Variant Classification Sherloc (09022015). Collection method: clinical testing. Allele origin: germline.

CeGaT Center for Human Genetics Tuebingen
Classification: Likely benign. Last evaluated: 2023-10-01. Review status: criteria provided, single submitter. Criteria: CeGaT Center For Human Genetics Tuebingen Variant Classification Criteria Version 2. Collection method: clinical testing. Allele origin: germline. Affected: yes. Observed: 1 variant allele.
Comment: DOCK6: BP4, BP7

Blueprint Genetics
Classification: Likely benign. Last evaluated: 2023-04-03. Review status: criteria provided, single submitter. Criteria: ACMG Guidelines, 2015. Collection method: clinical testing. Allele origin: germline.